The following is an entry in ClinVar:

ClinVar aggregate classification (germline): Uncertain significance. Review status: criteria provided, multiple submitters, no conflicts (2 of 4 stars). 2 submissions from 2 submitters: Uncertain significance (2). Last evaluated 2024-05-21.

Conditions:
Inborn genetic diseases. Identifiers: MedGen C0950123, MeSH D030342.

Allele frequency attached by ClinVar (database versions not stated): gnomAD 0.00011; TOPMed 0.00013; ESP Exome Variant Server 0.00015; gnomAD exomes 0.00002; ExAC 0.00003.
gnomAD v4.1: 59 of 1,613,742 alleles (0.0037%); highest among the groups gnomAD compares: African/African-American, 0.025%; no homozygotes.

Submissions (2):

Labcorp Genetics (formerly Invitae), Labcorp
Classification: Uncertain significance. Last evaluated: 2024-05-21. Review status: criteria provided, single submitter. Criteria: Invitae Variant Classification Sherloc (09022015). Collection method: clinical testing. Allele origin: germline.
Comment: This sequence change replaces valine, which is neutral and non-polar, with methionine, which is neutral and non-polar, at codon 825 of the TUBGCP6 protein (p.Val825Met). This variant is present in population databases (rs143355923, gnomAD 0.02%). This variant has not been reported in the literature in individuals affected with TUBGCP6-related conditions. ClinVar contains an entry for this variant (Variation ID: 998607). An algorithm developed to predict the effect of missense changes on protein structure and function (PolyPhen-2) suggests that this variant¬†is likely to be tolerated. In summary, the available evidence is currently insufficient to determine the role of this variant in disease. Therefore, it has been classified as a Variant of Uncertain Significance.

Ambry Genetics
Classification: Uncertain significance for Inborn genetic diseases. Last evaluated: 2021-10-12. Review status: criteria provided, single submitter. Criteria: Ambry Variant Classification Scheme 2023. Collection method: clinical testing. Allele origin: germline.

NM_020461.4(TUBGCP6):c.2473G>A (p.Val825Met)

Gene: TUBGCP6 (tubulin gamma complex component 6; minus strand). Cytogenetic location: 22q13.33.
Variant type: single nucleotide variant.
Coding change: c.2473G>A on transcript NM_020461.4 (MANE Select); coding-DNA position 2473, G replaced by A.
Protein change: p.Val825Met; replaces valine 825 with methionine.
Molecular consequence: missense variant.
Genome position (GRCh38, 1-based): chr22:50,222,039, C>T on the plus strand (G>A on the coding strand, the complement: TUBGCP6 is on the minus strand). VCF-style: chr22-50222039-C-T. GRCh37 (hg19) VCF-style: chr22-50660468-C-T.
Other names: c.2473G>A (NM_020461.3); short protein forms V825M.
Identifiers: ClinVar variation 998607 (VCV000998607.5), dbSNP rs143355923, ClinGen allele CA10308213.
Genomic context (GRCh38, chr22:50,222,039, plus strand): 5'-GGGCTATGGGAAAACCATAGGGCACCCTGGGTTCCACTCTGCCGCTTACCTGGGGGTGCA[C>T]GCTCAAGAGGACGTCTGGCGGCTCCTGGGGCTGGTGAGCCTCAGACACTGCTTTCAGCAT-3'
Protein context (NP_065194.3, residues 815-835): PQEPPDVLLS[Val825Met]HPQVTSPGPE